The following is an entry in ClinVar:

NM_001283009.2(RTEL1):c.2348T>A (p.Phe783Tyr)

Genes: RTEL1 (regulator of telomere elongation helicase 1; plus strand), RTEL1-TNFRSF6B (RTEL1-TNFRSF6B readthrough (NMD candidate); plus strand). Cytogenetic location: 20q13.33.
Variant type: single nucleotide variant.
Coding change: c.2348T>A on transcript NM_001283009.2 (MANE Select); coding-DNA position 2348, T replaced by A.
Protein change: p.Phe783Tyr; replaces phenylalanine 783 with tyrosine.
Molecular consequence: missense variant. On other transcripts: non-coding transcript variant (1).
Genome position (GRCh38, 1-based): chr20:63,690,376, T>A. VCF-style: chr20-63690376-T-A. GRCh37 (hg19) VCF-style: chr20-62321729-T-A.
Other names: c.1679T>A, p.Phe560Tyr (NM_001283010.1); c.2348T>A, p.Phe783Tyr (NM_016434.4); c.2420T>A, p.Phe807Tyr (NM_032957.5); short protein forms F783Y, F807Y, F560Y.
Identifiers: ClinVar variation 3790969 (VCV003790969.1).

ClinVar aggregate classification (germline): Uncertain significance (1 of 4 stars; one submission).

Conditions:
Inborn genetic diseases. Identifiers: MedGen C0950123, MeSH D030342.

gnomAD v4.1: 3 of 1,611,456 alleles (0.00019%); highest among the groups gnomAD compares: Non-Finnish European, 0.00025%; no homozygotes.

Submission:

Ambry Genetics
Classification: Uncertain significance for Inborn genetic diseases. Last evaluated: 2024-12-15. Review status: criteria provided, single submitter. Criteria: Ambry Variant Classification Scheme 2023. Collection method: clinical testing. Allele origin: germline.
Comment: The p.F783Y variant (also known as c.2348T>A), located in coding exon 25 of the RTEL1 gene, results from a T to A substitution at nucleotide position 2348. The phenylalanine at codon 783 is replaced by tyrosine, an amino acid with highly similar properties. This amino acid position is conserved. In addition, this alteration is predicted to be tolerated by in silico analysis. Based on the available evidence, the clinical significance of this variant remains unclear.